The following is an entry in ClinVar:

ClinVar aggregate classification (germline): Conflicting classifications of pathogenicity. Review status: criteria provided, conflicting classifications (1 of 4 stars). 4 submissions from 4 submitters: Uncertain significance (3); Likely benign (1). Last evaluated 2026-01-18.

Allele frequency attached by ClinVar (database versions not stated): TOPMed 0.00036; gnomAD exomes 0.00043; gnomAD 0.00046 and 0.00049; ExAC 0.00047; ESP Exome Variant Server 0.00077.
gnomAD v4.1: 687 of 1,610,958 alleles (0.043%); highest among the groups gnomAD compares: Non-Finnish European, 0.049%; 2 homozygotes.

Submissions (9):

Labcorp Genetics (formerly Invitae), Labcorp
Classification: Uncertain significance. Last evaluated: 2026-01-18. Review status: criteria provided, single submitter. Criteria: Invitae Variant Classification Sherloc (09022015). Collection method: clinical testing. Allele origin: germline.
Comment: This sequence change replaces aspartic acid, which is acidic and polar, with glycine, which is neutral and non-polar, at codon 44 of the SUCO protein (p.Asp44Gly). This variant is present in population databases (rs145307638, gnomAD 0.1%), and has an allele count higher than expected for a pathogenic variant. This variant has not been reported in the literature in individuals affected with SUCO-related conditions. ClinVar contains an entry for this variant (Variation ID: 1358511). An algorithm developed to predict the effect of missense changes on protein structure and function (PolyPhen-2) suggests that this variant is likely to be tolerated. In summary, the available evidence is currently insufficient to determine the role of this variant in disease. Therefore, it has been classified as a Variant of Uncertain Significance.

Ambry Genetics
Classification: Uncertain significance. Last evaluated: 2024-03-16. Review status: criteria provided, single submitter. Criteria: Ambry Variant Classification Scheme 2023. Collection method: clinical testing. Allele origin: germline.

CeGaT Center for Human Genetics Tuebingen
Classification: Likely benign. Last evaluated: 2023-10-01. Review status: criteria provided, single submitter. Criteria: CeGaT Center For Human Genetics Tuebingen Variant Classification Criteria Version 2. Collection method: clinical testing. Allele origin: germline. Affected: yes. Observed: 1 variant allele.
Comment: SUCO: BP4

Breakthrough Genomics
Classification: Uncertain significance. Review status: criteria provided, single submitter. Criteria: ACMG Guidelines, 2015. Collection method: not provided. Allele origin: germline. Inheritance: Unknown mechanism. Affected: yes.

Dr. Peter K. Rogan Lab, Western University
No classification provided (evidence only). Condition: Clear cell carcinoma of kidney. Review status: no classification provided. Collection method: in vitro. Allele origin: not applicable. Functional consequence: retained intron. Not counted in ClinVar's aggregate classification.

Dr. Peter K. Rogan Lab, Western University
No classification provided (evidence only). Condition: Melanoma. Review status: no classification provided. Collection method: in vitro. Allele origin: not applicable. Functional consequence: retained intron. Not counted in ClinVar's aggregate classification.

Dr. Peter K. Rogan Lab, Western University
No classification provided (evidence only). Condition: Familial cancer of breast. Review status: no classification provided. Collection method: in vitro. Allele origin: not applicable. Functional consequence: skipped exon. Not counted in ClinVar's aggregate classification.

Dr. Peter K. Rogan Lab, Western University
No classification provided (evidence only). Condition: Acute myeloid leukemia. Review status: no classification provided. Collection method: in vitro. Allele origin: not applicable. Functional consequence: retained intron. Not counted in ClinVar's aggregate classification.

Dr. Peter K. Rogan Lab, Western University
No classification provided (evidence only). Condition: Malignant tumor of esophagus. Review status: no classification provided. Collection method: in vitro. Allele origin: not applicable. Functional consequence: retained intron. Not counted in ClinVar's aggregate classification.

NM_014283.5(SUCO):c.131A>G (p.Asp44Gly)

Gene: SUCO (SUN domain containing ossification factor; plus strand). Cytogenetic location: 1q24.3.
Variant type: single nucleotide variant.
Coding change: c.131A>G on transcript NM_014283.5 (MANE Select); coding-DNA position 131, A replaced by G.
Protein change: p.Asp44Gly; replaces aspartic acid 44 with glycine.
Molecular consequence: missense variant. On other transcripts: 5 prime UTR variant (1).
Genome position (GRCh38, 1-based): chr1:172,551,580, A>G. VCF-style: chr1-172551580-A-G. GRCh37 (hg19) VCF-style: chr1-172520720-A-G.
Other names: c.131A>G (NM_014283.3); c.-1399A>G (NM_001282751.2); c.716A>G, p.Asp239Gly (NM_016227.4); c.131A>G, p.Asp44Gly (NM_001282750.2); short protein forms D239G, D44G.
Identifiers: ClinVar variation 1358511 (VCV001358511.32), dbSNP rs145307638, ClinGen allele CA1246464.